The following is an entry in ClinVar:

NM_000179.3(MSH6):c.2321T>C (p.Leu774Pro)

Gene: MSH6 (mutS homolog 6; plus strand). Cytogenetic location: 2p16.3.
Variant type: single nucleotide variant.
Coding change: c.2321T>C on transcript NM_000179.3 (MANE Select); coding-DNA position 2321, T replaced by C.
Protein change: p.Leu774Pro; replaces leucine 774 with proline.
Molecular consequence: missense variant. On other transcripts: non-coding transcript variant (5), intron variant (3).
Genome position (GRCh38, 1-based): chr2:47,800,304, T>C. VCF-style: chr2-47800304-T-C. GRCh37 (hg19) VCF-style: chr2-48027443-T-C.
Other names: c.1931T>C, p.Leu644Pro (NM_001281492.2); c.1415T>C, p.Leu472Pro (NM_001281493.2, NM_001281494.2, NM_001406811.1 and 6 more transcripts); c.2417T>C, p.Leu806Pro (NM_001406795.1, NM_001406802.1); c.2321T>C, p.Leu774Pro (NM_001406796.1, NM_001406798.1, NM_001406800.1 and 2 more transcripts); c.2024T>C, p.Leu675Pro (NM_001406797.1, NM_001406801.1, NM_001406805.1 and 10 more transcripts); c.1796T>C, p.Leu599Pro (NM_001406799.1, NM_001406806.1, NM_001406807.1); c.2243T>C, p.Leu748Pro (NM_001406804.1); c.2327T>C, p.Leu776Pro (NM_001406813.1); and 4 more; short protein forms L644P, L748P, L675P, L774P, L806P, L776P, L472P, L599P.
Identifiers: ClinVar variation 2805245 (VCV002805245.4), dbSNP rs2530664812, ClinGen allele CA346753216.
Genomic context (GRCh38, chr2:47,800,304, plus strand): 5'-CTGAAGGAACCCTACTAGAGAGGGTTGATACTTGCCATACTCCTTTTGGTAAGCGGCTCC[T>C]AAAGCAATGGCTTTGTGCCCCACTCTGTAACCATTATGCTATTAATGATCGTCTAGATGC-3'
Protein context (NP_000170.1, residues 764-784): TCHTPFGKRL[Leu774Pro]KQWLCAPLCN

ClinVar aggregate classification (germline): Conflicting classifications of pathogenicity. Review status: criteria provided, conflicting classifications (1 of 4 stars). 2 submissions from 2 submitters: Likely pathogenic (1); Uncertain significance (1). Last evaluated 2025-07-16.

Conditions:
Hereditary cancer-predisposing syndrome. Also called: Hereditary neoplastic syndrome; Neoplastic Syndromes, Hereditary; Hereditary Cancer Syndrome; Tumor predisposition. Identifiers: Orphanet 140162, MedGen C0027672, MeSH D009386, MONDO:0015356.
Hereditary nonpolyposis colorectal neoplasms. Identifiers: MedGen C0009405, MeSH D003123.

Submissions (2):

Labcorp Genetics (formerly Invitae), Labcorp
Classification: Uncertain significance for Hereditary nonpolyposis colorectal neoplasms. Last evaluated: 2025-07-16. Review status: criteria provided, single submitter. Criteria: Invitae Variant Classification Sherloc (09022015). Collection method: clinical testing. Allele origin: germline.
Comment: This sequence change replaces leucine, which is neutral and non-polar, with proline, which is neutral and non-polar, at codon 774 of the MSH6 protein (p.Leu774Pro). This variant is not present in population databases (gnomAD no frequency). This variant has not been reported in the literature in individuals affected with MSH6-related conditions. ClinVar contains an entry for this variant (Variation ID: 2805245). Invitae Evidence Modeling of protein sequence and biophysical properties (such as structural, functional, and spatial information, amino acid conservation, physicochemical variation, residue mobility, and thermodynamic stability) indicates that this missense variant is expected to disrupt MSH6 protein function with a positive predictive value of 95%. In summary, the available evidence is currently insufficient to determine the role of this variant in disease. Therefore, it has been classified as a Variant of Uncertain Significance.

Ambry Genetics
Classification: Likely pathogenic for Hereditary cancer-predisposing syndrome. Last evaluated: 2024-12-03. Review status: criteria provided, single submitter. Criteria: Ambry Variant Classification Scheme 2023. Collection method: clinical testing. Allele origin: germline.
Comment: The p.L774P variant (also known as c.2321T>C), located in coding exon 4 of the MSH6 gene, results from a T to C substitution at nucleotide position 2321. The leucine at codon 774 is replaced by proline, an amino acid with similar properties. This variant has been identified in probands whose Lynch syndrome-associated tumor demonstrated high microsatellite instability and/or loss of MSH6 expression by immunohistochemistry (Li S et al. J. Med. Genet. 2020 Jan;57:62-69; external laboratory communication). This amino acid position is highly conserved in available vertebrate species. In addition, this alteration is predicted to be deleterious by in silico analysis. This variant is considered to be rare based on population cohorts in the Genome Aggregation Database (gnomAD). Based on the majority of available evidence to date, this variant is likely to be pathogenic.